The following is an entry in ClinVar:

NM_000506.5(F2):c.890A>T (p.Glu297Val)

Gene: F2 (coagulation factor II, thrombin; plus strand). Cytogenetic location: 11p11.2.
Variant type: single nucleotide variant.
Coding change: c.890A>T on transcript NM_000506.5 (MANE Select); coding-DNA position 890, A replaced by T.
Protein change: p.Glu297Val; replaces glutamic acid 297 with valine.
Molecular consequence: missense variant.
Genome position (GRCh38, 1-based): chr11:46,726,513, A>T. VCF-style: chr11-46726513-A-T. GRCh37 (hg19) VCF-style: chr11-46748063-A-T.
Other names: short protein forms E297V.
Identifiers: ClinVar variation 3511245 (VCV003511245.1).

ClinVar aggregate classification (germline): Uncertain significance (1 of 4 stars; one submission).

Conditions:
Inborn genetic diseases. Identifiers: MedGen C0950123, MeSH D030342.

gnomAD v4.1: 11 of 1,613,852 alleles (0.00068%); highest among the groups gnomAD compares: Non-Finnish European, 0.00076%; no homozygotes.

Submission:

Ambry Genetics
Classification: Uncertain significance for Inborn genetic diseases. Last evaluated: 2024-11-23. Review status: criteria provided, single submitter. Criteria: Ambry Variant Classification Scheme 2023. Collection method: clinical testing. Allele origin: germline.
Comment: The p.E297V variant (also known as c.890A>T), located in coding exon 8 of the F2 gene, results from an A to T substitution at nucleotide position 890. The glutamic acid at codon 297 is replaced by valine, an amino acid with dissimilar properties. This amino acid position is conserved. In addition, this alteration is predicted to be tolerated by in silico analysis. Based on the available evidence, the clinical significance of this variant remains unclear.